The following is an entry in ClinVar:

NM_025103.4(IFT74):c.259C>T (p.Pro87Ser)

Gene: IFT74 (intraflagellar transport 74; plus strand). Cytogenetic location: 9p21.2.
Variant type: single nucleotide variant.
Coding change: c.259C>T on transcript NM_025103.4 (MANE Select); coding-DNA position 259, C replaced by T.
Protein change: p.Pro87Ser; replaces proline 87 with serine.
Molecular consequence: missense variant.
Genome position (GRCh38, 1-based): chr9:26,980,573, C>T. VCF-style: chr9-26980573-C-T. GRCh37 (hg19) VCF-style: chr9-26980571-C-T.
Other names: c.259C>T (NM_025103.2); c.259C>T, p.Pro87Ser (NM_001099222.3, NM_001099223.3, NM_001099224.3 and 1 more transcripts); short protein forms P87S.
Identifiers: ClinVar variation 1444402 (VCV001444402.8), dbSNP rs775155083, ClinGen allele CA5014881.

ClinVar aggregate classification (germline): Uncertain significance. Review status: criteria provided, multiple submitters, no conflicts (2 of 4 stars). 2 submissions from 2 submitters: Uncertain significance (2). Last evaluated 2026-08-07.

Conditions:
IFT74-related disorder. Also called: IFT74-related condition; IFT74-Related Disorders.

Allele frequency attached by ClinVar (database versions not stated): gnomAD 0.00001; gnomAD exomes 0.00002; ExAC 0.00003.

Submissions (2):

PreventionGenetics, part of Exact Sciences
Classification: Uncertain significance for IFT74-related condition. Last evaluated: 2026-08-07. Review status: criteria provided, single submitter. Criteria: ACMG Guidelines, 2015. Collection method: clinical testing. Allele origin: germline.
Comment: The IFT74 c.259C>T variant is predicted to result in the amino acid substitution p.Pro87Ser. To our knowledge, this variant has not been reported in the literature. This variant is reported in 0.015% of alleles in individuals of Latino descent in gnomAD. At this time, the clinical significance of this variant is uncertain due to the absence of conclusive functional and genetic evidence.

Labcorp Genetics (formerly Invitae), Labcorp
Classification: Uncertain significance. Last evaluated: 2024-10-16. Review status: criteria provided, single submitter. Criteria: Invitae Variant Classification Sherloc (09022015). Collection method: clinical testing. Allele origin: germline.
Comment: This sequence change replaces proline, which is neutral and non-polar, with serine, which is neutral and polar, at codon 87 of the IFT74 protein (p.Pro87Ser). This variant is present in population databases (rs775155083, gnomAD 0.01%). This variant has not been reported in the literature in individuals affected with IFT74-related conditions. ClinVar contains an entry for this variant (Variation ID: 1444402). An algorithm developed to predict the effect of missense changes on protein structure and function (PolyPhen-2) suggests that this variant¬†is likely to be tolerated. In summary, the available evidence is currently insufficient to determine the role of this variant in disease. Therefore, it has been classified as a Variant of Uncertain Significance.